The following is an entry in ClinVar:

NM_000169.3(GLA):c.181G>C (p.Asp61His)

Genes: GLA (galactosidase alpha; minus strand), RPL36A-HNRNPH2 (RPL36A-HNRNPH2 readthrough; plus strand). Cytogenetic location: Xq22.1.
Variant type: single nucleotide variant.
Coding change: c.181G>C on transcript NM_000169.3 (MANE Select); coding-DNA position 181, G replaced by C.
Protein change: p.Asp61His; replaces aspartic acid 61 with histidine.
Molecular consequence: missense variant. On other transcripts: non-coding transcript variant (3), intron variant (2).
Genome position (GRCh38, 1-based): chrX:101,407,723, C>G on the plus strand (G>C on the coding strand, the complement: GLA is on the minus strand). VCF-style: chrX-101407723-C-G. GRCh37 (hg19) VCF-style: chrX-100662711-C-G.
Other names: c.181G>C, p.Asp61His (NM_001406747.1, NM_001406748.1, NM_001406749.1); c.301-4213C>G (NM_001199973.2); c.178-4213C>G (NM_001199974.2); short protein forms D61H.
Identifiers: ClinVar variation 2507390 (VCV002507390.3), dbSNP rs1928578650, ClinGen allele CA413936689.

ClinVar aggregate classification (germline): Uncertain significance (1 of 4 stars; one submission).

Conditions:
Fabry disease. Also called: Fabry's disease; ALPHA-GALACTOSIDASE A DEFICIENCY; ANDERSON-FABRY DISEASE; CERAMIDE TRIHEXOSIDASE DEFICIENCY; GLA DEFICIENCY; HEREDITARY DYSTOPIC LIPIDOSIS. Identifiers: Orphanet 324, MedGen C0002986, MONDO:0010526, OMIM 301500, HP:0001071. Disease mechanism: Fabry disease is due to inactivating mutations in the X-linked GLA gene resulting in deficiency of the enzyme Alpha Galactosidase-A., loss of function.

Submission:

3billion
Classification: Uncertain significance for Fabry disease. Last evaluated: 2023-06-22. Review status: criteria provided, single submitter. Criteria: ACMG Guidelines, 2015. Collection method: clinical testing. Allele origin: germline. Affected: yes.
Comment: The variant is not observed in the gnomAD v2.1.1 dataset. Predicted Consequence/Location: Missense variant In silico tool predictions suggest the damaging effect of the variant on the gene or gene product (REVEL: 0.44; 3Cnet: 0.93). Therefore, this variant is classified as uncertain significance according to the recommendation of ACMG/AMP guideline.